The following is an entry in ClinVar:

NM_000552.5(VWF):c.5746C>G (p.Arg1916Gly)

Gene: VWF (von Willebrand factor; minus strand). Cytogenetic location: 12p13.31.
Variant type: single nucleotide variant.
Coding change: c.5746C>G on transcript NM_000552.5 (MANE Select); coding-DNA position 5746, C replaced by G.
Protein change: p.Arg1916Gly; replaces arginine 1916 with glycine.
Molecular consequence: missense variant.
Genome position (GRCh38, 1-based): chr12:6,011,713, G>C on the plus strand (C>G on the coding strand, the complement: VWF is on the minus strand). VCF-style: chr12-6011713-G-C. GRCh37 (hg19) VCF-style: chr12-6120879-G-C.
Other names: c.5746C>G (NM_000552.3); short protein forms R1916G.
Identifiers: ClinVar variation 2572097 (VCV002572097.2), dbSNP rs775318319, ClinGen allele CA383493182.

ClinVar aggregate classification (germline): Uncertain significance. Review status: criteria provided, multiple submitters, no conflicts (2 of 4 stars). 2 submissions from 2 submitters: Uncertain significance (2). Last evaluated 2025-08-10.

Conditions:
Inborn genetic diseases. Identifiers: MedGen C0950123, MeSH D030342.
von Willebrand disease type 1 (VWD1). Also called: VON WILLEBRAND DISEASE, TYPE I; VWD, TYPE 1. Identifiers: Orphanet 166078, Orphanet 903, MedGen C1264039, MONDO:0008668, OMIM 193400. Inheritance: autosomal recessive or autosomal dominant.

gnomAD v4.1: 7 of 1,613,868 alleles (0.00043%); highest among the groups gnomAD compares: Non-Finnish European, 0.00059%; no homozygotes.

Submissions (2):

Ambry Genetics
Classification: Uncertain significance for Inborn genetic diseases. Last evaluated: 2025-08-10. Review status: criteria provided, single submitter. Criteria: Ambry Variant Classification Scheme 2023. Collection method: clinical testing. Allele origin: germline.

ISTH-SSC Genomics in Thrombosis and Hemostasis, KU Leuven, Center for Molecular and Vascular Biology
Classification: Uncertain significance for von Willebrand disease type 1. Review status: criteria provided, single submitter. Criteria: ACMG Guidelines, 2015. Collection method: clinical testing. Allele origin: germline. Affected: yes. Observed: 1 heterozygote.
Comment: Submitted to the GoldVariant database by Kathleen Freson, Center for Molecular and Vascular Biology